The following is an entry in ClinVar:

ClinVar aggregate classification (germline): Uncertain significance. Review status: criteria provided, multiple submitters, no conflicts (2 of 4 stars). 2 submissions from 2 submitters: Uncertain significance (2). Last evaluated 2025-08-04.

Conditions:
Inborn genetic diseases. Identifiers: MedGen C0950123, MeSH D030342.
Imerslund-Grasbeck syndrome. Also called: ENTEROCYTE COBALAMIN MALABSORPTION; ENTEROCYTE INTRINSIC FACTOR RECEPTOR, DEFECT OF; PERNICIOUS ANEMIA, JUVENILE, DUE TO SELECTIVE INTESTINAL MALABSORPTION OF VITAMIN B12, WITH PROTEINURIA; Imerslund-Gräsbeck syndrome; Megaloblastic anemia due to inborn errors of metabolism. Identifiers: Orphanet 35858, MedGen C4551825, MONDO:0009853.

Allele frequency attached by ClinVar (database versions not stated): gnomAD 0.00001 and 0.00002; ExAC 0.00005; gnomAD exomes 0.00005 and 0.00010; TOPMed 0.00008.
gnomAD v4.1: 31 of 1,613,942 alleles (0.0019%); highest among the groups gnomAD compares: Admixed American, 0.05%; no homozygotes.

Submissions (2):

Ambry Genetics
Classification: Uncertain significance for Inborn genetic diseases. Last evaluated: 2025-08-04. Review status: criteria provided, single submitter. Criteria: Ambry Variant Classification Scheme 2023. Collection method: clinical testing. Allele origin: germline.

Labcorp Genetics (formerly Invitae), Labcorp
Classification: Uncertain significance for Imerslund-Grasbeck syndrome. Last evaluated: 2022-07-14. Review status: criteria provided, single submitter. Criteria: Invitae Variant Classification Sherloc (09022015). Collection method: clinical testing. Allele origin: germline.
Comment: In summary, the available evidence is currently insufficient to determine the role of this variant in disease. Therefore, it has been classified as a Variant of Uncertain Significance. Algorithms developed to predict the effect of missense changes on protein structure and function are either unavailable or do not agree on the potential impact of this missense change (SIFT: "Deleterious"; PolyPhen-2: "Benign"; Align-GVGD: "Class C0"). ClinVar contains an entry for this variant (Variation ID: 581546). This variant has not been reported in the literature in individuals affected with CUBN-related conditions. This variant is present in population databases (rs769747844, gnomAD 0.06%). This sequence change replaces threonine, which is neutral and polar, with proline, which is neutral and non-polar, at codon 2464 of the CUBN protein (p.Thr2464Pro).

NM_001081.4(CUBN):c.7390A>C (p.Thr2464Pro)

Gene: CUBN (cubilin; minus strand). Cytogenetic location: 10p13.
Variant type: single nucleotide variant.
Coding change: c.7390A>C on transcript NM_001081.4 (MANE Select); coding-DNA position 7390, A replaced by C.
Protein change: p.Thr2464Pro; replaces threonine 2464 with proline.
Molecular consequence: missense variant.
Genome position (GRCh38, 1-based): chr10:16,913,954, T>G on the plus strand (A>C on the coding strand, the complement: CUBN is on the minus strand). VCF-style: chr10-16913954-T-G. GRCh37 (hg19) VCF-style: chr10-16955953-T-G.
Other names: short protein forms T2464P.
Identifiers: ClinVar variation 581546 (VCV000581546.8), dbSNP rs769747844, ClinGen allele CA5423379.